The following is an entry in ClinVar:

NM_021830.5(TWNK):c.499C>G (p.Leu167Val)

Gene: TWNK (twinkle mtDNA helicase; plus strand). Cytogenetic location: 10q24.31.
Variant type: single nucleotide variant.
Coding change: c.499C>G on transcript NM_021830.5 (MANE Select); coding-DNA position 499, C replaced by G.
Protein change: p.Leu167Val; replaces leucine 167 with valine.
Molecular consequence: missense variant. On other transcripts: non-coding transcript variant (4), intron variant (3).
Genome position (GRCh38, 1-based): chr10:100,988,709, C>G. VCF-style: chr10-100988709-C-G. GRCh37 (hg19) VCF-style: chr10-102748466-C-G.
Other names: p.Leu167Val; c.499C>G, p.Leu167Val (NM_001163812.2); c.-119-935C>G (NM_001163814.2, NM_001163813.2); c.-57-997C>G (NM_001368275.1); short protein forms L167V.
Identifiers: ClinVar variation 3379985 (VCV003379985.3).

ClinVar aggregate classification (germline): Uncertain significance. Review status: criteria provided, multiple submitters, no conflicts (2 of 4 stars). 2 submissions from 2 submitters: Uncertain significance (2). Last evaluated 2024-10-29.

gnomAD v4.1: 6 of 1,614,040 alleles (0.00037%); highest among the groups gnomAD compares: Non-Finnish European, 0.00051%; no homozygotes.

Submissions (2):

Labcorp Genetics (formerly Invitae), Labcorp
Classification: Uncertain significance. Last evaluated: 2024-10-29. Review status: criteria provided, single submitter. Criteria: Invitae Variant Classification Sherloc (09022015). Collection method: clinical testing. Allele origin: germline.
Comment: This sequence change replaces leucine, which is neutral and non-polar, with valine, which is neutral and non-polar, at codon 167 of the TWNK protein (p.Leu167Val). This variant is not present in population databases (gnomAD no frequency). This variant has not been reported in the literature in individuals affected with TWNK-related conditions. Invitae Evidence Modeling of protein sequence and biophysical properties (such as structural, functional, and spatial information, amino acid conservation, physicochemical variation, residue mobility, and thermodynamic stability) indicates that this missense variant is expected to disrupt TWNK protein function with a positive predictive value of 80%. In summary, the available evidence is currently insufficient to determine the role of this variant in disease. Therefore, it has been classified as a Variant of Uncertain Significance.

Mayo Clinic Laboratories, Mayo Clinic
Classification: Uncertain significance. Last evaluated: 2023-09-06. Review status: criteria provided, single submitter. Criteria: ACMG Guidelines, 2015. Collection method: clinical testing. Allele origin: germline. Observed: 1 variant allele.
Comment: PM2_moderate